The following is an entry in ClinVar:

NM_005996.4(TBX3):c.211G>T (p.Ala71Ser)

Genes: TBX3 (T-box transcription factor 3; minus strand), TBX3-AS1 (TBX3 antisense RNA 1; plus strand). Cytogenetic location: 12q24.21.
Variant type: single nucleotide variant.
Coding change: c.211G>T on transcript NM_005996.4 (MANE Select); coding-DNA position 211, G replaced by T.
Protein change: p.Ala71Ser; replaces alanine 71 with serine.
Molecular consequence: missense variant.
Genome position (GRCh38, 1-based): chr12:114,682,990, C>A on the plus strand (G>T on the coding strand, the complement: TBX3 is on the minus strand). VCF-style: chr12-114682990-C-A. GRCh37 (hg19) VCF-style: chr12-115120795-C-A.
Other names: c.211G>T, p.Ala71Ser (NM_016569.4); c.211G>T (NM_016569.3); short protein forms A71S.
Identifiers: ClinVar variation 4693467 (VCV004693467.2).
Genomic context (GRCh38, chr12:114,682,990, plus strand): 5'-TCAAAGGCCTCAGATGCGCCTGGGGCCCCAGGGAGGAGAACGGGATGCCGGTCTCGGCCG[C>A]CCCCACCAATTGATCCATGATCGGCTTGGCCAGGGCGCCCGGCAGCGAGAGCGCCGCCGC-3'
Protein context (NP_005987.3, residues 61-81): AKPIMDQLVG[Ala71Ser]AETGIPFSSL

ClinVar aggregate classification (germline): Uncertain significance. Review status: criteria provided, multiple submitters, no conflicts (2 of 4 stars). 2 submissions from 2 submitters: Uncertain significance (2). Last evaluated 2026-01-08.

Conditions:
TBX3-related disorder. Also called: TBX3-related condition.
Ulnar-mammary syndrome (UMS). Also called: SCHINZEL SYNDROME; Ulnar-mammary syndrome of Pallister; PALLISTER ULNAR-MAMMARY SYNDROME. Identifiers: Orphanet 3138, MedGen C1866994, MONDO:0008411, OMIM 181450.

gnomAD v4.1: 13 of 1,614,024 alleles (0.00081%); highest among the groups gnomAD compares: Non-Finnish European, 0.0011%; no homozygotes.

Submissions (2):

Labcorp Genetics (formerly Invitae), Labcorp
Classification: Uncertain significance for Ulnar-mammary syndrome. Last evaluated: 2026-01-08. Review status: criteria provided, single submitter. Criteria: Invitae Variant Classification Sherloc (09022015). Collection method: clinical testing. Allele origin: germline.
Comment: This sequence change replaces alanine, which is neutral and non-polar, with serine, which is neutral and polar, at codon 71 of the TBX3 protein (p.Ala71Ser). This variant is not present in population databases (gnomAD no frequency). This variant has not been reported in the literature in individuals affected with TBX3-related conditions. An algorithm developed to predict the effect of missense changes on protein structure and function (PolyPhen-2) suggests that this variant is likely to be disruptive. In summary, the available evidence is currently insufficient to determine the role of this variant in disease. Therefore, it has been classified as a Variant of Uncertain Significance.

PreventionGenetics, part of Exact Sciences
Classification: Uncertain significance for TBX3-related condition. Last evaluated: 2025-11-18. Review status: criteria provided, single submitter. Criteria: ACMG Guidelines, 2015. Collection method: clinical testing. Allele origin: germline.
Comment: The TBX3 c.211G>T variant is predicted to result in the amino acid substitution p.Ala71Ser. To our knowledge, this variant has not been reported in the literature or in a large population database (gnomAD), indicating this variant is rare. At this time, the clinical significance of this variant is uncertain due to the absence of conclusive functional and genetic evidence.